The following is an entry in ClinVar:

NM_194248.2(OTOF):c.[4227+1G>T];[5193-1G>A]

Variant type: CompoundHeterozygote.
Identifiers: ClinVar variation 424809 (VCV000424809.2).

ClinVar aggregate classification (germline): Pathogenic (0 of 4 stars; one submission).

Conditions:
Autosomal recessive nonsyndromic hearing loss 9. Also called: NEUROSENSORY NONSYNDROMIC RECESSIVE DEAFNESS 9; OTOF-Related Hearing Loss; Deafness, autosomal recessive 9; AUDITORY NEUROPATHY, AUTOSOMAL RECESSIVE, 1, TEMPERATURE-SENSITIVE. Identifiers: Orphanet 90636, MedGen C1832828, MONDO:0010986, OMIM 601071.

Submission:

Laboratory of Prof. Karen Avraham, Tel Aviv University
Classification: Pathogenic for Autosomal recessive nonsyndromic hearing loss 9. Last evaluated: 2016-02-16. Review status: no assertion criteria provided. Collection method: research. Allele origin: germline. Affected: yes.
Comment: Congenital, profound HL; auditory neuropathy

Auditory neuropathy; recessive, DFNB9

Literature cited by the submitters: PubMed 18381613.